The following is an entry in ClinVar:

NM_015910.7(WDPCP):c.827T>G (p.Val276Gly)

Gene: WDPCP (WD repeat containing planar cell polarity effector; minus strand). Cytogenetic location: 2p15.
Variant type: single nucleotide variant.
Coding change: c.827T>G on transcript NM_015910.7 (MANE Select); coding-DNA position 827, T replaced by G.
Protein change: p.Val276Gly; replaces valine 276 with glycine.
Molecular consequence: missense variant. On other transcripts: non-coding transcript variant (3).
Genome position (GRCh38, 1-based): chr2:63,404,656, A>C on the plus strand (T>G on the coding strand, the complement: WDPCP is on the minus strand). VCF-style: chr2-63404656-A-C. GRCh37 (hg19) VCF-style: chr2-63631791-A-C.
Other names: c.350T>G, p.Val117Gly (NM_001042692.3); c.755T>G, p.Val252Gly (NM_001354044.2); c.827T>G, p.Val276Gly (NM_001354045.2); short protein forms V117G, V252G, V276G.
Identifiers: ClinVar variation 3345313 (VCV003345313.1).
Genomic context (GRCh38, chr2:63,404,656, plus strand): 5'-GGCTGTTTGGTGCCAAAGCGAACATCCAGTGGGTCCCATTCTGTGCGGACAGAACTCAGA[A>C]CCTGTTAAGAAATATATCAAGTACATTCAGATAAACTTTGGTTTTTCTTCAACTTCACAC-3'
Protein context (NP_056994.3, residues 266-286): LLGYAQGRLE[Val276Gly]LSSVRTEWDP

ClinVar aggregate classification (germline): Uncertain significance (0 of 4 stars; one submission).

Conditions:
WDPCP-related disorder. Also called: WDPCP-related condition.

Submission:

PreventionGenetics, part of Exact Sciences
Classification: Uncertain significance for WDPCP-related condition. Last evaluated: 2024-06-26. Review status: no assertion criteria provided. Collection method: clinical testing. Allele origin: germline.
Comment: The WDPCP c.827T>G variant is predicted to result in the amino acid substitution p.Val276Gly. To our knowledge, this variant has not been reported in the literature or in a large population database, indicating this variant is rare. At this time, the clinical significance of this variant is uncertain due to the absence of conclusive functional and genetic evidence.